The following is an entry in ClinVar:

ClinVar aggregate classification (germline): Uncertain significance (1 of 4 stars; one submission).

Allele frequency attached by ClinVar (database versions not stated): TOPMed below 0.00001; gnomAD 0.00001.
gnomAD v4.1: 1 of 1,613,720 alleles (0.000062%); highest among the groups gnomAD compares: Non-Finnish European, 0.000085%; no homozygotes.

Submission:

Labcorp Genetics (formerly Invitae), Labcorp
Classification: Uncertain significance. Last evaluated: 2022-04-28. Review status: criteria provided, single submitter. Criteria: Invitae Variant Classification Sherloc (09022015). Collection method: clinical testing. Allele origin: germline.
Comment: Algorithms developed to predict the effect of missense changes on protein structure and function (SIFT, PolyPhen-2, Align-GVGD) all suggest that this variant is likely to be tolerated. This sequence change replaces proline, which is neutral and non-polar, with leucine, which is neutral and non-polar, at codon 109 of the C1QB protein (p.Pro109Leu). This variant is not present in population databases (gnomAD no frequency). This variant has not been reported in the literature in individuals affected with C1QB-related conditions. In summary, the available evidence is currently insufficient to determine the role of this variant in disease. Therefore, it has been classified as a Variant of Uncertain Significance.

NM_001378156.1(C1QB):c.320C>T (p.Pro107Leu)

Gene: C1QB (complement C1q B chain; plus strand). Cytogenetic location: 1p36.12.
Variant type: single nucleotide variant.
Coding change: c.320C>T on transcript NM_001378156.1 (MANE Select); coding-DNA position 320, C replaced by T.
Protein change: p.Pro107Leu; replaces proline 107 with leucine.
Molecular consequence: missense variant.
Genome position (GRCh38, 1-based): chr1:22,660,950, C>T. VCF-style: chr1-22660950-C-T. GRCh37 (hg19) VCF-style: chr1-22987443-C-T.
Other names: c.326C>T, p.Pro109Leu (NM_000491.5); c.320C>T, p.Pro107Leu (NM_001371184.3); short protein forms P107L, P109L.
Identifiers: ClinVar variation 1947425 (VCV001947425.5), dbSNP rs1642610885, ClinGen allele CA338946536.